The following is an entry in ClinVar:

NM_014370.4(SRPK3):c.1034G>A (p.Ser345Asn)

Gene: SRPK3 (SRSF protein kinase 3; plus strand). Cytogenetic location: Xq28.
Variant type: single nucleotide variant.
Coding change: c.1034G>A on transcript NM_014370.4 (MANE Select); coding-DNA position 1034, G replaced by A.
Protein change: p.Ser345Asn; replaces serine 345 with asparagine.
Molecular consequence: missense variant. On other transcripts: intron variant (1).
Genome position (GRCh38, 1-based): chrX:153,784,100, G>A. VCF-style: chrX-153784100-G-A. GRCh37 (hg19) VCF-style: chrX-153049555-G-A.
Other names: c.1031G>A, p.Ser344Asn (NM_001170760.2); c.953-21G>A (NM_001170761.2); short protein forms S344N, S345N.
Identifiers: ClinVar variation 5018457 (VCV005018457.1).

ClinVar aggregate classification (germline): Uncertain significance (1 of 4 stars; one submission).

gnomAD v4.1: 1 of 1,210,797 alleles (0.000083%); highest among the groups gnomAD compares: Non-Finnish European, 0.00011%; no homozygotes.

Submission:

GeneDx
Classification: Uncertain significance. Last evaluated: 2026-04-09. Review status: criteria provided, single submitter. Criteria: GeneDx Variant Classification Process June 2021. Collection method: clinical testing. Allele origin: germline.
Comment: Not observed at significant frequency in large population cohorts (gnomAD); In silico analysis suggests that this missense variant does not alter protein structure/function; Has not been previously published as pathogenic or benign to our knowledge